The following is an entry in ClinVar:

ClinVar aggregate classification (germline): Likely benign. Review status: criteria provided, multiple submitters, no conflicts (2 of 4 stars). 2 submissions from 2 submitters: Likely benign (2). Last evaluated 2026-02-04.

Conditions:
LYST-related disorder. Also called: LYST-related condition.
Chédiak-Higashi syndrome (CHS). Also called: Chediak-Higashi Syndrome. Identifiers: Orphanet 167, MedGen C0007965, MONDO:0008963, OMIM 214500.

Allele frequency attached by ClinVar (database versions not stated): ExAC 0.00003; gnomAD 0.00003; gnomAD exomes 0.00003; TOPMed 0.00003.
gnomAD v4.1: 48 of 1,612,164 alleles (0.003%); highest among the groups gnomAD compares: East Asian, 0.0045%; no homozygotes.

Submissions (2):

Labcorp Genetics (formerly Invitae), Labcorp
Classification: Likely benign for Chédiak-Higashi syndrome. Last evaluated: 2026-02-04. Review status: criteria provided, single submitter. Criteria: Invitae Variant Classification Sherloc (09022015). Collection method: clinical testing. Allele origin: germline.

PreventionGenetics, part of Exact Sciences
Classification: Likely benign for LYST-related condition. Last evaluated: 2025-12-11. Review status: criteria provided, single submitter. Criteria: ACMG Guidelines, 2015. Collection method: clinical testing. Allele origin: germline.
Comment: This variant is classified as likely benign based on ACMG/AMP sequence variant interpretation guidelines (Richards et al. 2015 PMID: 25741868, with internal and published modifications).

NM_000081.4(LYST):c.3564A>G (p.Gln1188=)

Gene: LYST (lysosomal trafficking regulator; minus strand). Cytogenetic location: 1q42.3.
Variant type: single nucleotide variant.
Coding change: c.3564A>G on transcript NM_000081.4 (MANE Select); coding-DNA position 3564, A replaced by G.
Protein change: p.Gln1188=; no amino-acid change (glutamine 1188 retained).
Molecular consequence: synonymous variant.
Genome position (GRCh38, 1-based): chr1:235,803,056, T>C on the plus strand (A>G on the coding strand, the complement: LYST is on the minus strand). VCF-style: chr1-235803056-T-C. GRCh37 (hg19) VCF-style: chr1-235966356-T-C.
Other names: c.3564A>G, p.Gln1188= (NM_001301365.1); c.3564A>G (NM_000081.3).
Identifiers: ClinVar variation 1574556 (VCV001574556.9), dbSNP rs771676168, ClinGen allele CA1467035.